The following continues an entry in ClinVar:

NM_058216.3(RAD51C):c.571+4A>G

Gene: RAD51C. ClinVar aggregate classification (germline): Conflicting classifications of pathogenicity. Likely pathogenic (5); Uncertain significance (7).

Submissions 10 to 15 of 15:

Women's Health and Genetics/Laboratory Corporation of America, LabCorp
Classification: Uncertain significance. Last evaluated: 2023-07-31. Review status: criteria provided, single submitter. Criteria: LabCorp Variant Classification Summary - May 2015. Collection method: clinical testing. Allele origin: germline.
Comment: Variant summary: RAD51C c.571+4A>G alters a nucleotide located close to a canonical splice site and therefore could affect mRNA splicing, leading to a significantly altered protein sequence. Several computational tools predict a significant impact on normal splicing: One predict the variant abolishes a 5 splicing donor site. Three predict the variant weakens a 5' donor site. Three predict the variant creates a cryptic 5 donor site. At least two publications report experimental evidence that this variant affects mRNA splicing and causes exon 3 skipping (Dawson_2019, Sanoguera-Miralles_2022). However, one additional publication reports RNA studies demonstrate no abnormal splicing (Karam_2019). The variant allele was found at a frequency of 3.2e-05 in 31412 control chromosomes (gnomAD). c.571+4A>G has been reported in the literature in individuals affected with Hereditary Breast And Ovarian Cancer Syndrome and other types of cancer as well as in healthy individuals (Shirts_2016, Karam_2019, Dawson_2019, Bandeira_2020, Guindalini_2022). These reports do not provide unequivocal conclusions about association of the variant with Hereditary Breast And Ovarian Cancer Syndrome. At least one paper reports protein expression was significantly reduced in this variant heterozygote compared with a wild-type relative (Dawson_2019). The following publications have been ascertained in the context of this evaluation (PMID: 32986223, 31782267, 31642931, 33333735, 35740625, 26845104, 35264596). Nine submitters have cited clinical-significance assessments for this variant to ClinVar after 2014 and classified this variant as uncertain significance (n=6), likely pathogenic (n=2) and pathogenic (n=1). Based on the evidence outlined above, the variant was classified as VUS-possibly pathogenic.

CHEO Genetics Diagnostic Laboratory, Children's Hospital of Eastern Ontario
Classification: Likely pathogenic for Breast and/or ovarian cancer. Last evaluated: 2022-07-11. Review status: criteria provided, single submitter. Criteria: ACMG Guidelines, 2015. Collection method: clinical testing. Allele origin: germline.

University of Washington Department of Laboratory Medicine, University of Washington
Classification: Uncertain significance for Hereditary cancer-predisposing syndrome. Last evaluated: 2015-11-20. Review status: criteria provided, single submitter. Criteria: Shirts et al. (Genet Med 2016). Collection method: clinical testing. Allele origin: germline. Affected: yes. Observed: 1 variant allele.
Comment: This variant is predicted to alter a splice donor site. RT-PCR confirmed this variant causes exon 3 skipping.

PreventionGenetics, part of Exact Sciences
Classification: Uncertain significance for RAD51C-related condition. Last evaluated: 2024-01-26. Review status: no assertion criteria provided. Collection method: clinical testing. Allele origin: germline. Not counted in ClinVar's aggregate classification.
Comment: The RAD51C c.571+4A>G variant is predicted to interfere with splicing. This variant has been reported in individuals with breast and/or ovarian cancer (Dawson et al. 2020. PubMed ID: 31782267; Bandeira et al. 2020. PubMed ID: 32986223; Shirts et al. 2016. PubMed ID: 26845104). In vitro experimental studies suggested this variant cause abnormal splicing (Dawson et al. 2020. PubMed ID: 31782267; Sanoguera-Miralles et al. 2020. PubMed ID: 33333735; Shirts et al. 2016. PubMed ID: 26845104) and reduced protein expression (Dawson et al. 2020. PubMed ID: 31782267). However, one additional RNA study reported this variant has no effect on splicing (Karam et al. 2019. PubMed ID: 31642931). This variant has been reported to segregate with breast and ovarian cancer in 5 families (Dawson et al. 2020. PubMed ID: 31782267). This variant is reported in 0.0065% of alleles in individuals of European (non-Finnish) descent in gnomAD and has conflicting interpretations regarding its pathogenicity in ClinVar, ranging from uncertain to pathogenic. Although we suspect that this variant may be pathogenic, at this time, the clinical significance of this variant is uncertain due to the absence of conclusive functional and genetic evidence.

Counsyl
Classification: Uncertain significance for Fanconi anemia complementation group O; Breast-ovarian cancer, familial, susceptibility to, 3. Last evaluated: 2017-08-22. Review status: no assertion criteria provided. Collection method: clinical testing. Allele origin: unknown. Not counted in ClinVar's aggregate classification.

Department of Pathology and Laboratory Medicine, Sinai Health System
Classification: Uncertain significance for Breast-ovarian cancer, familial, susceptibility to, 3. Review status: no assertion criteria provided. Collection method: clinical testing. Allele origin: unknown. Affected: yes. Study: The Canadian Open Genetics Repository (COGR). Not counted in ClinVar's aggregate classification.
Comment: The RAD51C c.571+4A>G variant was identified in 1 of 2904 proband chromosomes (frequency: 0.0003) from individuals or families referred for breast or colon multigene panel testing (Shirts 2016). The variant was also identified in dbSNP (ID: rs587780257) as â€šÃ„ÃºWith other alleleâ€šÃ„Ã¹ and ClinVar (classified as uncertain significance by GeneDx, Invitae, University of Washington Dept. of Laboratory Medicine, Color Genomics Inc and Counsyl; and classified as likely benign by Ambry Genetics). The variant was not identified in Cosmic, MutDB, or LOVD 3.0 databases. The variant was identified in control databases in 1 of 30988 chromosomes at a frequency of 0.00003 (Genome Aggregation Database Feb 27, 2017). The variant was observed in the following populations: European Non-Finnish in 1 of 15018 chromosomes (freq: 0.00007), while it was not observed in the African, Other, Latino, Ashkenazi Jewish, East Asian, European Finnish, or South Asian populations. The c.571+4A>G variant is located in the 5' splice region but does not affect the invariant +1 and +2 positions. However, positions +3 to +6 are part of the splicing consensus sequence and variants involving these positions sometimes affect splicing. A study using RT-PCR showed that the RAD51C c.571+4A>G variant caused exon 3 skipping. In addition, 4 of 4 in silico or computational prediction software programs (SpliceSiteFinder, MaxEntScan, NNSPLICE, GeneSplicer) predict a greater than 10% difference in splicing. In summary, based on the above information the clinical significance of this variant cannot be determined with certainty at this time. This variant is classified as a variant of uncertain significance.

Literature cited by the submitters: PubMed 26845104 (cited by 6 submitters); PubMed 31782267 (cited by 6 submitters); PubMed 32986223 (cited by 5 submitters); PubMed 33606809 (cited by 3 submitters); PubMed 34326862 (cited by Labcorp Genetics (formerly Invitae), Labcorp); PubMed 35534704 (cited by Labcorp Genetics (formerly Invitae), Labcorp); PubMed 17576681 (cited by Labcorp Genetics (formerly Invitae), Labcorp); PubMed 9536098 (cited by Labcorp Genetics (formerly Invitae), Labcorp); PubMed 33333735 (cited by 5 submitters); PubMed 35264596 (cited by 4 submitters); PubMed 35740625 (cited by 3 submitters); PubMed 39299233 (cited by Myriad Genetics, Inc.); PubMed 31642931 (cited by Women's Health and Genetics/Laboratory Corporation of America, LabCorp).